The following is an entry in ClinVar:

ClinVar aggregate classification (germline): Uncertain significance (1 of 4 stars; one submission).

Conditions:
Blood group, ER (ER). Also called: ER BLOOD GROUP SYSTEM. Identifiers: MedGen C5703066, OMIM 620207.
Lymphatic malformation 6 (LMPHM6). Also called: GENERALIZED LYMPHATIC DYSPLASIA OF FOTIOU; PIEZO1-related generalized lymphatic dysplasia with non-immune hydrops fetalis; Lymphedema, hereditary, III. Identifiers: Orphanet 568062, MedGen C4225184, MONDO:0014797, OMIM 616843.
Dehydrated hereditary stomatocytosis with or without pseudohyperkalemia and/or perinatal edema (DHS1). Also called: Dehydrated hereditary stomatocytosis 1 with or without pseudohyperkalemia and/or perinatal edema; PSEUDOHYPERKALEMIA EDINBURGH; DEHYDRATED HEREDITARY STOMATOCYTOSIS AND PSEUDOHYPERKALEMIA; DEHYDRATED HEREDITARY STOMATOCYTOSIS WITH PSEUDOHYPERKALEMIA AND PERINATAL EDEMA; Pseudohyperkalemia, familial, 1, due to red cell leak. Identifiers: Orphanet 3202, MedGen C4551512, MONDO:0008689, OMIM 194380.

Submission:

Juno Genomics, Hangzhou Juno Genomics, Inc
Classification: Uncertain significance for Blood group, ER; Dehydrated hereditary stomatocytosis with or without pseudohyperkalemia and/or perinatal edema; Lymphatic malformation 6. Review status: criteria provided, single submitter. Criteria: ACMG Guidelines, 2015. Collection method: clinical testing. Allele origin: germline.
Comment: Absent from controls (or at extremely low frequency if recessive) in Genome Aggregation Database.

NM_001142864.4(PIEZO1):c.7467G>C (p.Glu2489Asp)

Gene: PIEZO1 (piezo type mechanosensitive ion channel component 1 (Er blood group); minus strand). Cytogenetic location: 16q24.3.
Variant type: single nucleotide variant.
Coding change: c.7467G>C on transcript NM_001142864.4 (MANE Select); coding-DNA position 7467, G replaced by C.
Protein change: p.Glu2489Asp; replaces glutamic acid 2489 with aspartic acid.
Molecular consequence: missense variant.
Genome position (GRCh38, 1-based): chr16:88,715,704, C>G on the plus strand (G>C on the coding strand, the complement: PIEZO1 is on the minus strand). VCF-style: chr16-88715704-C-G. GRCh37 (hg19) VCF-style: chr16-88782112-C-G.
Other names: short protein forms E2489D.
Identifiers: ClinVar variation 5018987 (VCV005018987.2).